The following is an entry in ClinVar:

ClinVar aggregate classification (germline): Uncertain significance. Review status: criteria provided, multiple submitters, no conflicts (2 of 4 stars). 4 submissions from 4 submitters: Uncertain significance (4). Last evaluated 2025-05-21.

Conditions:
Fanconi anemia complementation group D2. Also called: FANCD2-Related Fanconi Anemia; FANCONI PANCYTOPENIA, TYPE 4; FANCONI ANEMIA, COMPLEMENTATION GROUP D. Identifiers: Orphanet 84, MedGen C3160738, MONDO:0009214, OMIM 227646.
Fanconi anemia (FA). Also called: Fanconi's anemia. Identifiers: Orphanet 84, MedGen C0015625, MeSH D005199, MONDO:0019391.

gnomAD v4.1: 13 of 1,612,856 alleles (0.00081%); highest among the groups gnomAD compares: Admixed American, 0.0017%; no homozygotes.

Submissions (4):

Dasa
Classification: Uncertain significance. Last evaluated: 2025-05-21. Review status: criteria provided, single submitter. Criteria: DASA Assertion Criteria. Collection method: clinical testing. Allele origin: germline.
Comment: NM_001018115.3(FANCD2):c.3209A>G (p.His1070Arg) is a missense variant that results in the substitution of histidine with arginine. This variant is rare in population databases. Computational prediction algorithms are consistent with a benign effect. The currently available literature and clinical evidence are not sufficient to establish a definitive association between this variant and the reported condition. Therefore, this variant is classified as a variant of uncertain significance.

Labcorp Genetics (formerly Invitae), Labcorp
Classification: Uncertain significance for Fanconi anemia. Last evaluated: 2024-02-17. Review status: criteria provided, single submitter. Criteria: Invitae Variant Classification Sherloc (09022015). Collection method: clinical testing. Allele origin: germline.
Comment: This sequence change replaces histidine, which is basic and polar, with arginine, which is basic and polar, at codon 1070 of the FANCD2 protein (p.His1070Arg). This variant is present in population databases (no rsID available, gnomAD 0.003%). This variant has not been reported in the literature in individuals affected with FANCD2-related conditions. ClinVar contains an entry for this variant (Variation ID: 1489289). Advanced modeling of protein sequence and biophysical properties (such as structural, functional, and spatial information, amino acid conservation, physicochemical variation, residue mobility, and thermodynamic stability) performed at Invitae indicates that this missense variant is not expected to disrupt FANCD2 protein function with a negative predictive value of 80%. In summary, the available evidence is currently insufficient to determine the role of this variant in disease. Therefore, it has been classified as a Variant of Uncertain Significance.

Baylor Genetics
Classification: Uncertain significance for Fanconi anemia complementation group D2. Last evaluated: 2023-10-12. Review status: criteria provided, single submitter. Criteria: ACMG Guidelines, 2015. Collection method: clinical testing. Allele origin: unknown.

Fulgent Genetics
Classification: Uncertain significance for Fanconi anemia complementation group D2. Last evaluated: 2022-02-17. Review status: criteria provided, single submitter. Criteria: ACMG Guidelines, 2015. Collection method: clinical testing. Allele origin: unknown.

NM_001018115.3(FANCD2):c.3209A>G (p.His1070Arg)

Genes: FANCD2 (FA complementation group D2; plus strand), FANCD2OS (FANCD2 opposite strand; minus strand). Cytogenetic location: 3p25.3.
Variant type: single nucleotide variant.
Coding change: c.3209A>G on transcript NM_001018115.3 (MANE Select); coding-DNA position 3209, A replaced by G.
Protein change: p.His1070Arg; replaces histidine 1070 with arginine.
Molecular consequence: missense variant. On other transcripts: 3 prime UTR variant (1).
Genome position (GRCh38, 1-based): chr3:10,081,449, A>G. VCF-style: chr3-10081449-A-G. GRCh37 (hg19) VCF-style: chr3-10123133-A-G.
Other names: c.*126T>C (NM_173472.2); c.3209A>G, p.His1070Arg (NM_001319984.2, NM_001374254.1, NM_033084.6); c.3098A>G, p.His1033Arg (NM_001374253.1); short protein forms H1070R, H1033R.
Identifiers: ClinVar variation 1489289 (VCV001489289.11), dbSNP rs759516610, ClinGen allele CA351749018.
Genomic context (GRCh38, chr3:10,081,449, plus strand): 5'-TGAAAGTTCAGGAGTACCACATAATGTCTTCCTGCTATCAGAGGCTGCTGCAGATTTTTC[A>G]TGGGCTTTTTGCTTGGTAAGTATGTGGGAAGTGTGGAGAGAACTGAGTATATACTTGCTT-3'
Protein context (NP_001018125.1, residues 1060-1080): SCYQRLLQIF[His1070Arg]GLFAWSGFSQ